The following is an entry in ClinVar:

ClinVar aggregate classification (germline): Uncertain significance (1 of 4 stars; one submission).

Submission:

GeneDx
Classification: Uncertain significance. Last evaluated: 2023-12-22. Review status: criteria provided, single submitter. Criteria: GeneDx Variant Classification Process June 2021. Collection method: clinical testing. Allele origin: germline. Affected: yes.
Comment: Not observed at significant frequency in large population cohorts (gnomAD); In silico analysis supports that this missense variant has a deleterious effect on protein structure/function; Has not been previously published as pathogenic or benign to our knowledge

NM_000834.5(GRIN2B):c.3467A>G (p.Lys1156Arg)

Gene: GRIN2B (glutamate ionotropic receptor NMDA type subunit 2B; minus strand). Cytogenetic location: 12p13.1.
Variant type: single nucleotide variant.
Coding change: c.3467A>G on transcript NM_000834.5 (MANE Select); coding-DNA position 3467, A replaced by G.
Protein change: p.Lys1156Arg; replaces lysine 1156 with arginine.
Molecular consequence: missense variant.
Genome position (GRCh38, 1-based): chr12:13,563,771, T>C on the plus strand (A>G on the coding strand, the complement: GRIN2B is on the minus strand). VCF-style: chr12-13563771-T-C. GRCh37 (hg19) VCF-style: chr12-13716705-T-C.
Other names: c.3467A>G, p.Lys1156Arg (NM_001413992.1); short protein forms K1156R.
Identifiers: ClinVar variation 3370258 (VCV003370258.1).